The following is an entry in ClinVar:

NM_000138.5(FBN1):c.5595C>A (p.Cys1865Ter)

Gene: FBN1 (fibrillin 1; minus strand). Cytogenetic location: 15q21.1.
Variant type: single nucleotide variant.
Coding change: c.5595C>A on transcript NM_000138.5 (MANE Select); coding-DNA position 5595, C replaced by A.
Protein change: p.Cys1865Ter; replaces cysteine 1865 with a stop codon.
Molecular consequence: nonsense.
Genome position (GRCh38, 1-based): chr15:48,448,844, G>T on the plus strand (C>A on the coding strand, the complement: FBN1 is on the minus strand). VCF-style: chr15-48448844-G-T. GRCh37 (hg19) VCF-style: chr15-48741041-G-T.
Other names: short protein forms C1865*.
Identifiers: ClinVar variation 379460 (VCV000379460.2), dbSNP rs1057520601, ClinGen allele CA16607089.
Genomic context (GRCh38, chr15:48,448,844, plus strand): 5'-GTCATCATTTGTTTTAAAACCAGTGTGGCAAAGGCAATAAAAGCTTCCAACTGTGTCAAT[G>T]CACTGCCCATGACTGCATATATTGGGGATTTCTTGACATTCATTACGATCTGTAAATAAG-3'

ClinVar aggregate classification (germline): Pathogenic (1 of 4 stars; one submission).

Submission:

GeneDx
Classification: Pathogenic. Last evaluated: 2015-04-27. Review status: criteria provided, single submitter. Criteria: GeneDx Variant Classification (06012015). Collection method: clinical testing. Allele origin: germline. Affected: yes.
Comment: The C1865X variant in the FBN1 gene has not been reported as a pathogenic variant or as abenign polymorphism to our knowledge. C1865X is predicted to cause loss of normal protein function eitherby protein truncation or nonsense-mediated mRNA decay. Other nonsense variants in the FBN1 genehave been reported in HGMD in association with Marfan syndrome and fibrillinopathy (Stenson P et al.,2014). Furthermore, the C1865X variant was not observed in approximately 6,500 individuals ofEuropean and African American ancestry in the NHLBI Exome Sequencing Project, indicating it is not acommon benign variant in these populations. In summary, C1865X in the FBN1 gene is interpreted as a pathogenic variant.